The following is an entry in ClinVar:

NM_024675.4(PALB2):c.2404T>A (p.Cys802Ser)

Gene: PALB2 (partner and localizer of BRCA2; minus strand). Cytogenetic location: 16p12.2.
Variant type: single nucleotide variant.
Coding change: c.2404T>A on transcript NM_024675.4 (MANE Select); coding-DNA position 2404, T replaced by A.
Protein change: p.Cys802Ser; replaces cysteine 802 with serine.
Molecular consequence: missense variant.
Genome position (GRCh38, 1-based): chr16:23,629,750, A>T on the plus strand (T>A on the coding strand, the complement: PALB2 is on the minus strand). VCF-style: chr16-23629750-A-T. GRCh37 (hg19) VCF-style: chr16-23641071-A-T.
Other names: c.2404T>A (NM_024675.3); short protein forms C802S.
Identifiers: ClinVar variation 1000214 (VCV001000214.10), dbSNP rs1966856613, ClinGen allele CA395124439.
Genomic context (GRCh38, chr16:23,629,750, plus strand): 5'-GATTTTCTTTAAAAGTGAATGACTCAATGGGTGGAGGTGTTCCTGGCGGGACAGAGTCAC[A>T]GTCACAGGTAGGTTGTCCTTGCCTGCCTGACACTTGCAGGGTGGTATGTGGTTTTGCTGG-3'
Protein context (NP_078951.2, residues 792-812): SGRQGQPTCD[Cys802Ser]DSVPPGTPPP

ClinVar aggregate classification (germline): Conflicting classifications of pathogenicity. Review status: criteria provided, conflicting classifications (1 of 4 stars). 2 submissions from 2 submitters: Uncertain significance (1); Likely benign (1). Last evaluated 2025-12-11.

Conditions:
Hereditary cancer-predisposing syndrome. Also called: Neoplastic Syndromes, Hereditary; Tumor predisposition; Hereditary Cancer Syndrome; Hereditary neoplastic syndrome. Identifiers: Orphanet 140162, MedGen C0027672, MeSH D009386, MONDO:0015356.
Familial cancer of breast. Also called: Hereditary breast cancer; hereditary breast carcinoma; BREAST CANCER, FAMILIAL. Identifiers: Orphanet 227535, MedGen C0346153, MONDO:0016419, OMIM 114480. Disease mechanism: loss of function.

Allele frequency attached by ClinVar (database versions not stated): gnomAD exomes below 0.00001.
gnomAD v4.1: 2 of 1,614,206 alleles (0.00012%); highest among the groups gnomAD compares: South Asian, 0.0011%; no homozygotes.

Submissions (2):

Ambry Genetics
Classification: Likely benign for Hereditary cancer-predisposing syndrome. Last evaluated: 2025-12-11. Review status: criteria provided, single submitter. Criteria: Ambry Variant Classification Scheme 2023. Collection method: clinical testing. Allele origin: germline.

Labcorp Genetics (formerly Invitae), Labcorp
Classification: Uncertain significance for Familial cancer of breast. Last evaluated: 2023-10-13. Review status: criteria provided, single submitter. Criteria: Invitae Variant Classification Sherloc (09022015). Collection method: clinical testing. Allele origin: germline.
Comment: This sequence change replaces cysteine, which is neutral and slightly polar, with serine, which is neutral and polar, at codon 802 of the PALB2 protein (p.Cys802Ser). This variant is not present in population databases (gnomAD no frequency). This variant has not been reported in the literature in individuals affected with PALB2-related conditions. ClinVar contains an entry for this variant (Variation ID: 1000214). Advanced modeling of protein sequence and biophysical properties (such as structural, functional, and spatial information, amino acid conservation, physicochemical variation, residue mobility, and thermodynamic stability) performed at Invitae indicates that this missense variant is not expected to disrupt PALB2 protein function. In summary, the available evidence is currently insufficient to determine the role of this variant in disease. Therefore, it has been classified as a Variant of Uncertain Significance.